The following is an entry in ClinVar:

NM_000329.3(RPE65):c.1441G>A (p.Glu481Lys)

Gene: RPE65 (retinoid isomerohydrolase RPE65; minus strand). Cytogenetic location: 1p31.3.
Variant type: single nucleotide variant.
Coding change: c.1441G>A on transcript NM_000329.3 (MANE Select); coding-DNA position 1441, G replaced by A.
Protein change: p.Glu481Lys; replaces glutamic acid 481 with lysine.
Molecular consequence: missense variant.
Genome position (GRCh38, 1-based): chr1:68,431,074, C>T on the plus strand (G>A on the coding strand, the complement: RPE65 is on the minus strand). VCF-style: chr1-68431074-C-T. GRCh37 (hg19) VCF-style: chr1-68896757-C-T.
Other names: short protein forms E481K.
Identifiers: ClinVar variation 1307570 (VCV001307570.3), dbSNP rs768710948, ClinGen allele CA340741721.

ClinVar aggregate classification (germline): Uncertain significance. Review status: criteria provided, multiple submitters, no conflicts (2 of 4 stars). 2 submissions from 2 submitters: Uncertain significance (2). Last evaluated 2021-11-07.

Submissions (2):

Blueprint Genetics
Classification: Uncertain significance. Last evaluated: 2021-11-07. Review status: criteria provided, single submitter. Criteria: ACMG Guidelines, 2015. Collection method: clinical testing. Allele origin: germline.

GeneDx
Classification: Uncertain significance. Last evaluated: 2019-07-26. Review status: criteria provided, single submitter. Criteria: GeneDx Variant Classification Process June 2021. Collection method: clinical testing. Allele origin: germline. Affected: yes.
Comment: Not observed at a significant frequency in large population cohorts (Lek et al., 2016); In silico analysis, which includes protein predictors and evolutionary conservation, supports a deleterious effect; Has not been previously published as pathogenic or benign to our knowledge